The following is an entry in ClinVar:

ClinVar aggregate classification (germline): Pathogenic (1 of 4 stars; one submission).

Conditions:
Muscular dystrophy-dystroglycanopathy (congenital with impaired intellectual development), type B, 2. Also called: MUSCULAR DYSTROPHY, CONGENITAL, POMT2-RELATED; Muscular dystrophy-dystroglycanopathy (congenital with intellectual disability), type B2. Identifiers: MedGen C3150416, MONDO:0013160, OMIM 613156.
Muscular dystrophy-dystroglycanopathy (congenital with brain and eye anomalies), type A2. Also called: MUSCULAR DYSTROPHY-DYSTROGLYCANOPATHY (CONGENITAL WITH BRAIN AND EYE ANOMALIES), TYPE A, 2; WALKER-WARBURG SYNDROME OR MUSCLE-EYE-BRAIN DISEASE, POMT2-RELATED. Identifiers: Orphanet 588, Orphanet 899, MedGen C3150411, MONDO:0013154, OMIM 613150.
Autosomal recessive limb-girdle muscular dystrophy type 2N. Also called: MUSCULAR DYSTROPHY-DYSTROGLYCANOPATHY, LIMB-GIRDLE, POMT2-RELATED; Muscular dystrophy-dystroglycanopathy (limb-girdle), type C, 2. Identifiers: Orphanet 206559, MedGen C3150418, MONDO:0013162, OMIM 613158.

Submission:

Labcorp Genetics (formerly Invitae), Labcorp
Classification: Pathogenic for Muscular dystrophy-dystroglycanopathy (congenital with impaired intellectual development), type B, 2; Muscular dystrophy-dystroglycanopathy (congenital with brain and eye anomalies), type A2; Autosomal recessive limb-girdle muscular dystrophy type 2N. Last evaluated: 2023-07-10. Review status: criteria provided, single submitter. Criteria: Invitae Variant Classification Sherloc (09022015). Collection method: clinical testing. Allele origin: germline.
Comment: This sequence change creates a premature translational stop signal (p.Leu76*) in the POMT2 gene. It is expected to result in an absent or disrupted protein product. Loss-of-function variants in POMT2 are known to be pathogenic (PMID: 15894594). This variant is not present in population databases (gnomAD no frequency). This variant has not been reported in the literature in individuals affected with POMT2-related conditions. For these reasons, this variant has been classified as Pathogenic.

Literature cited by the submitters: PubMed 15894594.

NM_013382.7(POMT2):c.227T>A (p.Leu76Ter)

Gene: POMT2 (protein O-mannosyltransferase 2; minus strand). Cytogenetic location: 14q24.3.
Variant type: single nucleotide variant.
Coding change: c.227T>A on transcript NM_013382.7 (MANE Select); coding-DNA position 227, T replaced by A.
Protein change: p.Leu76Ter; replaces leucine 76 with a stop codon.
Molecular consequence: nonsense.
Genome position (GRCh38, 1-based): chr14:77,320,455, A>T on the plus strand (T>A on the coding strand, the complement: POMT2 is on the minus strand). VCF-style: chr14-77320455-A-T. GRCh37 (hg19) VCF-style: chr14-77786798-A-T.
Other names: short protein forms L76*.
Identifiers: ClinVar variation 2936132 (VCV002936132.3), dbSNP rs1349494437, ClinGen allele CA390504318.